The following is an entry in ClinVar:

NM_022124.6(CDH23):c.5146C>A (p.Gln1716Lys)

Gene: CDH23 (cadherin related 23; plus strand). Cytogenetic location: 10q22.1.
Variant type: single nucleotide variant.
Coding change: c.5146C>A on transcript NM_022124.6 (MANE Select); coding-DNA position 5146, C replaced by A.
Protein change: p.Gln1716Lys; replaces glutamine 1716 with lysine.
Molecular consequence: missense variant.
Genome position (GRCh38, 1-based): chr10:71,778,267, C>A. VCF-style: chr10-71778267-C-A. GRCh37 (hg19) VCF-style: chr10-73538024-C-A.
Other names: short protein forms Q1716K.
Identifiers: ClinVar variation 593859 (VCV000593859.15), dbSNP rs369740230, ClinGen allele CA5545656.
Genomic context (GRCh38, chr10:71,778,267, plus strand): 5'-AAAGAGCTGGACTACGAGATCAGCCACGGCCGCTACACCCTGATCGTCACTGCCACAGAC[C>A]AGTGCCCCATCTTATCCCACCGCCTCACCTCTACCACCACGGTGGGTGCATGGGACACAG-3'
Protein context (NP_071407.4, residues 1706-1726): RYTLIVTATD[Gln1716Lys]CPILSHRLTS

ClinVar aggregate classification (germline): Uncertain significance. Review status: criteria provided, multiple submitters, no conflicts (2 of 4 stars). 7 submissions from 7 submitters: Uncertain significance (6). 1 of the submissions does not count toward it. Last evaluated 2025-06-03.

Conditions:
Usher syndrome type 1 (USH1). Also called: RETINITIS PIGMENTOSA AND CONGENITAL DEAFNESS. Identifiers: Orphanet 231169, Orphanet 886, MedGen C1568247, MONDO:0010168, OMIM 276900.
CDH23-related disorder. Also called: CDH23-related disorders; CDH23-related condition.
Inborn genetic diseases. Identifiers: MedGen C0950123, MeSH D030342.

Allele frequency attached by ClinVar (database versions not stated): gnomAD exomes 0.00003 and 0.00008; TOPMed 0.00003; ExAC 0.00007; ESP Exome Variant Server 0.00008.
gnomAD v4.1: 41 of 1,613,984 alleles (0.0025%); highest among the groups gnomAD compares: Admixed American, 0.012%; 1 homozygote.

Submissions (7):

PreventionGenetics, part of Exact Sciences
Classification: Uncertain significance for CDH23-related condition. Last evaluated: 2025-06-03. Review status: criteria provided, single submitter. Criteria: ACMG Guidelines, 2015. Collection method: clinical testing. Allele origin: germline.
Comment: The CDH23 c.5146C>A variant is predicted to result in the amino acid substitution p.Gln1716Lys. To our knowledge, this variant has not been reported in the literature. This variant is reported in 0.014% of alleles in individuals of Latino descent in gnomAD. At this time, the clinical significance of this variant is uncertain due to the absence of conclusive functional and genetic evidence.

Ambry Genetics
Classification: Uncertain significance for Inborn genetic diseases. Last evaluated: 2025-03-01. Review status: criteria provided, single submitter. Criteria: Ambry Variant Classification Scheme 2023. Collection method: clinical testing. Allele origin: germline.

GeneDx
Classification: Uncertain significance. Last evaluated: 2024-12-31. Review status: criteria provided, single submitter. Criteria: GeneDx Variant Classification Process June 2021. Collection method: clinical testing. Allele origin: germline. Affected: yes.
Comment: In silico analysis indicates that this missense variant does not alter protein structure/function; Has not been previously published as pathogenic or benign to our knowledge

Blueprint Genetics
Classification: Uncertain significance. Last evaluated: 2022-11-21. Review status: criteria provided, single submitter. Criteria: ACMG Guidelines, 2015. Collection method: clinical testing. Allele origin: germline.

Labcorp Genetics (formerly Invitae), Labcorp
Classification: Uncertain significance. Last evaluated: 2022-07-14. Review status: criteria provided, single submitter. Criteria: Invitae Variant Classification Sherloc (09022015). Collection method: clinical testing. Allele origin: germline.
Comment: This sequence change replaces glutamine, which is neutral and polar, with lysine, which is basic and polar, at codon 1716 of the CDH23 protein (p.Gln1716Lys). This variant is present in population databases (rs369740230, gnomAD 0.01%). This variant has not been reported in the literature in individuals affected with CDH23-related conditions. ClinVar contains an entry for this variant (Variation ID: 593859). Algorithms developed to predict the effect of missense changes on protein structure and function are either unavailable or do not agree on the potential impact of this missense change (SIFT: "Deleterious"; PolyPhen-2: "Not Available"; Align-GVGD: "Class C45"). In summary, the available evidence is currently insufficient to determine the role of this variant in disease. Therefore, it has been classified as a Variant of Uncertain Significance.

Eurofins Ntd Llc (ga)
Classification: Uncertain significance. Last evaluated: 2017-09-18. Review status: criteria provided, single submitter. Criteria: EGL Classification Definitions 2015. Collection method: clinical testing. Allele origin: germline. Observed: 1 variant allele, 1 heterozygote.

Natera, Inc.
Classification: Uncertain significance for Usher syndrome type 1. Last evaluated: 2019-10-28. Review status: no assertion criteria provided. Collection method: clinical testing. Allele origin: germline. Not counted in ClinVar's aggregate classification.